The following is an entry in ClinVar:

ClinVar aggregate classification (germline): Uncertain significance (1 of 4 stars; one submission).

Conditions:
Inborn genetic diseases. Identifiers: MedGen C0950123, MeSH D030342.

gnomAD v4.1: 3 of 1,613,780 alleles (0.00019%); highest among the groups gnomAD compares: African/African-American, 0.0013%; no homozygotes.

Submission:

Ambry Genetics
Classification: Uncertain significance for Inborn genetic diseases. Last evaluated: 2025-08-10. Review status: criteria provided, single submitter. Criteria: Ambry Variant Classification Scheme 2023. Collection method: clinical testing. Allele origin: germline.
Comment: The p.P813S variant (also known as c.2437C>T), located in coding exon 13 of the ASXL1 gene, results from a C to T substitution at nucleotide position 2437. The proline at codon 813 is replaced by serine, an amino acid with similar properties. This amino acid position is conserved. In addition, this alteration is predicted to be tolerated by in silico analysis. Based on the available evidence, the clinical significance of this variant remains unclear.

NM_015338.6(ASXL1):c.2437C>T (p.Pro813Ser)

Gene: ASXL1 (ASXL transcriptional regulator 1; plus strand). Cytogenetic location: 20q11.21.
Variant type: single nucleotide variant.
Coding change: c.2437C>T on transcript NM_015338.6 (MANE Select); coding-DNA position 2437, C replaced by T.
Protein change: p.Pro813Ser; replaces proline 813 with serine.
Molecular consequence: missense variant.
Genome position (GRCh38, 1-based): chr20:32,435,149, C>T. VCF-style: chr20-32435149-C-T. GRCh37 (hg19) VCF-style: chr20-31022952-C-T.
Other names: c.2254C>T, p.Pro752Ser (NM_001363734.1); short protein forms P813S, P752S.
Identifiers: ClinVar variation 4158847 (VCV004158847.1).
Genomic context (GRCh38, chr20:32,435,149, plus strand): 5'-ACCACTTCCTGGGAAAGTGATGATGAGGAGCAAGGACCCACCGTTCCTGCAGACAATGGT[C>T]CCATTCCGTCTCTAGTGGGAGATGATACATTAGAGAAAGGAACTGGCCAAGCTCTTGACA-3'
Protein context (NP_056153.2, residues 803-823): QGPTVPADNG[Pro813Ser]IPSLVGDDTL